The following is an entry in ClinVar:

NM_001372066.1(TFAP2A):c.544G>A (p.Val182Met)

Genes: TFAP2A (transcription factor AP-2 alpha; minus strand), TFAP2A-AS2 (TFAP2A antisense RNA 2; plus strand), LOC121740638 (BRD4-independent group 4 enhancer GRCh37_chr6:10403277-10404476; plus strand). Cytogenetic location: 6p24.3.
Variant type: single nucleotide variant.
Coding change: c.544G>A on transcript NM_001372066.1 (MANE Select); coding-DNA position 544, G replaced by A.
Protein change: p.Val182Met; replaces valine 182 with methionine.
Molecular consequence: missense variant. On other transcripts: non-coding transcript variant (1).
Genome position (GRCh38, 1-based): chr6:10,404,734, C>T on the plus strand (G>A on the coding strand, the complement: TFAP2A is on the minus strand). VCF-style: chr6-10404734-C-T. GRCh37 (hg19) VCF-style: chr6-10404967-C-T.
Other names: NM_003220.2:c.538G>A; c.520G>A, p.Val174Met (NM_001032280.3); c.526G>A, p.Val176Met (NM_001042425.3); short protein forms V174M, V176M, V182M.
Identifiers: ClinVar variation 445515 (VCV000445515.10), dbSNP rs1208782432, ClinGen allele CA362701957.

ClinVar aggregate classification (germline): Uncertain significance. Review status: criteria provided, multiple submitters, no conflicts (2 of 4 stars). 3 submissions from 3 submitters: Uncertain significance (3). Last evaluated 2025-07-29.

Allele frequency attached by ClinVar (database versions not stated): gnomAD exomes below 0.00001; TOPMed 0.00001.
gnomAD v4.1: 1 of 1,614,066 alleles (0.000062%); highest among the groups gnomAD compares: Non-Finnish European, 0.000085%; no homozygotes.

Submissions (3):

GeneDx
Classification: Uncertain significance. Last evaluated: 2025-07-29. Review status: criteria provided, single submitter. Criteria: GeneDx Variant Classification Process June 2021. Collection method: clinical testing. Allele origin: germline. Affected: yes.
Comment: In silico analysis suggests that this missense variant does not alter protein structure/function; Has not been previously published as pathogenic or benign to our knowledge

Labcorp Genetics (formerly Invitae), Labcorp
Classification: Uncertain significance. Last evaluated: 2022-02-14. Review status: criteria provided, single submitter. Criteria: Invitae Variant Classification Sherloc (09022015). Collection method: clinical testing. Allele origin: germline.
Comment: This sequence change replaces valine, which is neutral and non-polar, with methionine, which is neutral and non-polar, at codon 180 of the TFAP2A protein (p.Val180Met). In summary, the available evidence is currently insufficient to determine the role of this variant in disease. Therefore, it has been classified as a Variant of Uncertain Significance. Algorithms developed to predict the effect of missense changes on protein structure and function are either unavailable or do not agree on the potential impact of this missense change (SIFT: "Deleterious"; PolyPhen-2: "Benign"; Align-GVGD: "Class C0"). ClinVar contains an entry for this variant (Variation ID: 445515). This variant has not been reported in the literature in individuals affected with TFAP2A-related conditions. This variant is present in population databases (no rsID available, gnomAD 0.0009%).

Center for Pediatric Genomic Medicine, Children's Mercy Hospital and Clinics
Classification: Uncertain significance. Last evaluated: 2017-08-02. Review status: criteria provided, single submitter. Criteria: ACMG Guidelines, 2015. Collection method: clinical testing. Allele origin: germline.